The following is an entry in ClinVar:

ClinVar aggregate classification (germline): Uncertain significance (1 of 4 stars; one submission).

gnomAD v4.1: 4 of 1,613,942 alleles (0.00025%); highest among the groups gnomAD compares: Non-Finnish European, 0.00034%; no homozygotes.

Submission:

Women's Health and Genetics/Laboratory Corporation of America, LabCorp
Classification: Uncertain significance. Last evaluated: 2024-11-11. Review status: criteria provided, single submitter. Criteria: LabCorp Variant Classification Summary - May 2015. Collection method: clinical testing. Allele origin: germline.
Comment: Variant summary: MAGEL2 c.3196A>G (p.Asn1066Asp) results in a conservative amino acid change located in the MAGE homology domain, winged helix WH1 motif domain (IPR041898) of the encoded protein sequence. Three of three in-silico tools predict a benign effect of the variant on protein function. The variant was absent in 249230 control chromosomes. The available data on variant occurrences in the general population are insufficient to allow any conclusion about variant significance. To our knowledge, no occurrence of c.3196A>G in individuals affected with Schaaf-Yang Syndrome and no experimental evidence demonstrating its impact on protein function have been reported. No submitters have cited clinical-significance assessments for this variant to ClinVar. Based on the evidence outlined above, the variant was classified as uncertain significance.

NM_019066.5(MAGEL2):c.3196A>G (p.Asn1066Asp)

Gene: MAGEL2 (MAGE family member L2; minus strand). Cytogenetic location: 15q11.2.
Variant type: single nucleotide variant.
Coding change: c.3196A>G on transcript NM_019066.5 (MANE Select); coding-DNA position 3196, A replaced by G.
Protein change: p.Asn1066Asp; replaces asparagine 1066 with aspartic acid.
Molecular consequence: missense variant.
Genome position (GRCh38, 1-based): chr15:23,644,547, T>C on the plus strand (A>G on the coding strand, the complement: MAGEL2 is on the minus strand). VCF-style: chr15-23644547-T-C. GRCh37 (hg19) VCF-style: chr15-23889694-T-C.
Other names: short protein forms N1066D.
Identifiers: ClinVar variation 3629736 (VCV003629736.1).